The following is an entry in ClinVar:

ClinVar aggregate classification (germline): Uncertain significance. Review status: criteria provided, multiple submitters, no conflicts (2 of 4 stars). 2 submissions from 2 submitters: Uncertain significance (2). Last evaluated 2023-08-02.

Conditions:
Brugada syndrome 4 (BRGDA4). Identifiers: Orphanet 130, MedGen C2678477, MONDO:0012743, OMIM 611876.

Allele frequency attached by ClinVar (database versions not stated): gnomAD exomes below 0.00001.
gnomAD v4.1: 1 of 1,614,012 alleles (0.000062%); highest among the groups gnomAD compares: Non-Finnish European, 0.000085%; no homozygotes.

Submissions (2):

Labcorp Genetics (formerly Invitae), Labcorp
Classification: Uncertain significance for Brugada syndrome 4. Last evaluated: 2023-08-02. Review status: criteria provided, single submitter. Criteria: Invitae Variant Classification Sherloc (09022015). Collection method: clinical testing. Allele origin: germline.
Comment: This sequence change replaces histidine, which is basic and polar, with tyrosine, which is neutral and polar, at codon 522 of the CACNB2 protein (p.His522Tyr). This variant is not present in population databases (gnomAD no frequency). This variant has not been reported in the literature in individuals affected with CACNB2-related conditions. An algorithm developed to predict the effect of missense changes on protein structure and function (PolyPhen-2) suggests that this variant is likely to be disruptive. In summary, the available evidence is currently insufficient to determine the role of this variant in disease. Therefore, it has been classified as a Variant of Uncertain Significance.

Blueprint Genetics
Classification: Uncertain significance. Last evaluated: 2022-06-09. Review status: criteria provided, single submitter. Criteria: ACMG Guidelines, 2015. Collection method: clinical testing. Allele origin: germline.

NM_201596.3(CACNB2):c.1726C>T (p.His576Tyr)

Gene: CACNB2 (calcium voltage-gated channel auxiliary subunit beta 2; plus strand). Cytogenetic location: 10p12.31.
Variant type: single nucleotide variant.
Coding change: c.1726C>T on transcript NM_201596.3 (MANE Select); coding-DNA position 1726, C replaced by T.
Protein change: p.His576Tyr; replaces histidine 576 with tyrosine.
Molecular consequence: missense variant.
Genome position (GRCh38, 1-based): chr10:18,539,467, C>T. VCF-style: chr10-18539467-C-T. GRCh37 (hg19) VCF-style: chr10-18828396-C-T.
Other names: c.1561C>T, p.His521Tyr (NM_000724.4); c.1528C>T, p.His510Tyr (NM_001167945.2); c.1447C>T, p.His483Tyr (NM_001330060.2); c.1468C>T, p.His490Tyr (NM_001410882.1); c.1582C>T, p.His528Tyr (NM_201570.3); c.1642C>T, p.His548Tyr (NM_201571.4); c.1570C>T, p.His524Tyr (NM_201572.4); c.1564C>T, p.His522Tyr (NM_201590.3); and 2 more; short protein forms H483Y, H576Y, H510Y, H521Y, H538Y, H522Y, H524Y, H528Y.
Identifiers: ClinVar variation 2966677 (VCV002966677.4), dbSNP rs752753717, ClinGen allele CA203167261.